The following is an entry in ClinVar:

NM_153614.4(DNAJB13):c.757G>A (p.Asp253Asn)

Gene: DNAJB13 (DnaJ heat shock protein family (Hsp40) member B13; plus strand). Cytogenetic location: 11q13.4.
Variant type: single nucleotide variant.
Coding change: c.757G>A on transcript NM_153614.4 (MANE Select); coding-DNA position 757, G replaced by A.
Protein change: p.Asp253Asn; replaces aspartic acid 253 with asparagine.
Molecular consequence: missense variant.
Genome position (GRCh38, 1-based): chr11:73,969,282, G>A. VCF-style: chr11-73969282-G-A. GRCh37 (hg19) VCF-style: chr11-73680327-G-A.
Other names: c.583G>A, p.Asp195Asn (NM_001377263.1); short protein forms D253N, D195N.
Identifiers: ClinVar variation 691974 (VCV000691974.14), dbSNP rs140556652, ClinGen allele CA6180886.

ClinVar aggregate classification (germline): Conflicting classifications of pathogenicity. Review status: criteria provided, conflicting classifications (1 of 4 stars). 4 submissions from 4 submitters: Uncertain significance (1); Likely benign (2). 1 of the submissions does not count toward it. Last evaluated 2026-01-02.

Conditions:
Primary ciliary dyskinesia 34. Also called: CILIARY DYSKINESIA, PRIMARY, 34, WITHOUT SITUS INVERSUS. Identifiers: Orphanet 244, MedGen C4310722, MONDO:0014909, OMIM 617091.
DNAJB13-related disorder. Also called: DNAJB13-related condition.

Allele frequency attached by ClinVar (database versions not stated): gnomAD exomes 0.00021 and 0.00040; ExAC 0.00045; 1000 Genomes Project 0.00080; 1000 Genomes Project 30x 0.00094; gnomAD 0.00139 and 0.00149; TOPMed 0.00168; ESP Exome Variant Server 0.00193.
gnomAD v4.1: 368 of 872,802 alleles (0.042%); highest among the groups gnomAD compares: African/African-American, 0.51%; no homozygotes.

Submissions (4):

Labcorp Genetics (formerly Invitae), Labcorp
Classification: Likely benign. Last evaluated: 2026-01-02. Review status: criteria provided, single submitter. Criteria: Invitae Variant Classification Sherloc (09022015). Collection method: clinical testing. Allele origin: germline.

Revvity Omics, Revvity
Classification: Uncertain significance for Primary ciliary dyskinesia 34. Last evaluated: 2021-08-05. Review status: criteria provided, single submitter. Criteria: ACMG Guidelines, 2015. Collection method: clinical testing. Allele origin: germline.

Johns Hopkins Genomics, Johns Hopkins University
Classification: Likely benign for Primary ciliary dyskinesia 34. Last evaluated: 2019-07-05. Review status: criteria provided, single submitter. Criteria: ACMG Guidelines, 2015. Collection method: clinical testing. Allele origin: germline.

PreventionGenetics, part of Exact Sciences
Classification: Likely benign for DNAJB13-related condition. Last evaluated: 2023-09-03. Review status: no assertion criteria provided. Collection method: clinical testing. Allele origin: germline. Not counted in ClinVar's aggregate classification.
Comment: This variant is classified as likely benign based on ACMG/AMP sequence variant interpretation guidelines (Richards et al. 2015 PMID: 25741868, with internal and published modifications).